The following is an entry in ClinVar:

NM_003172.4(SURF1):c.329T>C (p.Met110Thr)

Gene: SURF1 (SURF1 cytochrome c oxidase assembly factor; minus strand). Cytogenetic location: 9q34.2.
Variant type: single nucleotide variant.
Coding change: c.329T>C on transcript NM_003172.4 (MANE Select); coding-DNA position 329, T replaced by C.
Protein change: p.Met110Thr; replaces methionine 110 with threonine.
Molecular consequence: missense variant. On other transcripts: initiator codon variant (1).
Genome position (GRCh38, 1-based): chr9:133,353,935, A>G on the plus strand (T>C on the coding strand, the complement: SURF1 is on the minus strand). VCF-style: chr9-133353935-A-G. GRCh37 (hg19) VCF-style: chr9-136220790-A-G.
Other names: c.2T>C, p.Met1Thr (NM_001280787.1); short protein forms M110T, M1T.
Identifiers: ClinVar variation 1045578 (VCV001045578.9), dbSNP rs1189141759, ClinGen allele CA375694510.

ClinVar aggregate classification (germline): Uncertain significance (1 of 4 stars; one submission).

Conditions:
Leigh syndrome (NULS). Also called: Leigh Disease; Subacute necrotizing encephalopathy; Necrotizing encephalopathy infantile subacute of Leigh; LEIGH SYNDROME, NUCLEAR; Leigh's necrotizing encephalopathy; Leigh's disease. Identifiers: Orphanet 506, MedGen C2931891, MONDO:0009723, OMIM 256000.

Submission:

Labcorp Genetics (formerly Invitae), Labcorp
Classification: Uncertain significance for Leigh syndrome. Last evaluated: 2022-02-21. Review status: criteria provided, single submitter. Criteria: Invitae Variant Classification Sherloc (09022015). Collection method: clinical testing. Allele origin: germline.
Comment: This variant has not been reported in the literature in individuals affected with SURF1-related conditions. In summary, the available evidence is currently insufficient to determine the role of this variant in disease. Therefore, it has been classified as a Variant of Uncertain Significance. Algorithms developed to predict the effect of missense changes on protein structure and function (SIFT, PolyPhen-2, Align-GVGD) all suggest that this variant is likely to be tolerated. ClinVar contains an entry for this variant (Variation ID: 1045578). This variant is present in population databases (no rsID available, gnomAD 0.006%). This sequence change replaces methionine, which is neutral and non-polar, with threonine, which is neutral and polar, at codon 110 of the SURF1 protein (p.Met110Thr).